The following is an entry in ClinVar:

NM_004655.4(AXIN2):c.179A>T (p.Asp60Val)

Gene: AXIN2 (axin 2; minus strand). Cytogenetic location: 17q24.1.
Variant type: single nucleotide variant.
Coding change: c.179A>T on transcript NM_004655.4 (MANE Select); coding-DNA position 179, A replaced by T.
Protein change: p.Asp60Val; replaces aspartic acid 60 with valine.
Molecular consequence: missense variant.
Genome position (GRCh38, 1-based): chr17:65,558,442, T>A on the plus strand (A>T on the coding strand, the complement: AXIN2 is on the minus strand). VCF-style: chr17-65558442-T-A. GRCh37 (hg19) VCF-style: chr17-63554560-T-A.
Other names: c.179A>T, p.Asp60Val (NM_001363813.1); short protein forms D60V.
Identifiers: ClinVar variation 1780325 (VCV001780325.2), dbSNP rs1555583673, ClinGen allele CA400681953.

ClinVar aggregate classification (germline): Uncertain significance (1 of 4 stars; one submission).

Conditions:
Hereditary cancer-predisposing syndrome. Also called: Neoplastic Syndromes, Hereditary; Tumor predisposition; Hereditary Cancer Syndrome; Hereditary neoplastic syndrome. Identifiers: Orphanet 140162, MedGen C0027672, MeSH D009386, MONDO:0015356.

Submission:

Ambry Genetics
Classification: Uncertain significance for Hereditary cancer-predisposing syndrome. Last evaluated: 2021-12-11. Review status: criteria provided, single submitter. Criteria: Ambry Variant Classification Scheme 2023. Collection method: clinical testing. Allele origin: germline.
Comment: The p.D60V variant (also known as c.179A>T), located in coding exon 1 of the AXIN2 gene, results from an A to T substitution at nucleotide position 179. The aspartic acid at codon 60 is replaced by valine, an amino acid with highly dissimilar properties. This amino acid position is conserved. In addition, the in silico prediction for this alteration is inconclusive. Since supporting evidence is limited at this time, the clinical significance of this alteration remains unclear.